The following is an entry in ClinVar:

ClinVar aggregate classification (germline): Benign/Likely benign. Review status: criteria provided, multiple submitters, no conflicts (2 of 4 stars). 3 submissions from 3 submitters: Benign (1); Likely benign (2). Last evaluated 2024-07-19.

Conditions:
Oligodontia-cancer predisposition syndrome. Also called: TOOTH AGENESIS-COLORECTAL CANCER SYNDROME. Identifiers: Orphanet 300576, MedGen C1837750, MONDO:0012075, OMIM 608615. Disease mechanism: loss of function.
Hereditary cancer-predisposing syndrome. Also called: Hereditary neoplastic syndrome; Neoplastic Syndromes, Hereditary; Tumor predisposition; Hereditary Cancer Syndrome. Identifiers: Orphanet 140162, MedGen C0027672, MeSH D009386, MONDO:0015356.

Allele frequency attached by ClinVar (database versions not stated): ExAC 0.00001; gnomAD 0.00001; TOPMed 0.00001; gnomAD exomes 0.00002.
gnomAD v4.1: 9 of 1,612,206 alleles (0.00056%); highest among the groups gnomAD compares: South Asian, 0.0066%; no homozygotes.

Submissions (3):

Labcorp Genetics (formerly Invitae), Labcorp
Classification: Likely benign for Oligodontia-cancer predisposition syndrome. Last evaluated: 2024-07-19. Review status: criteria provided, single submitter. Criteria: Invitae Variant Classification Sherloc (09022015). Collection method: clinical testing. Allele origin: germline.

Myriad Genetics, Inc.
Classification: Benign for Oligodontia-cancer predisposition syndrome. Last evaluated: 2024-07-08. Review status: criteria provided, single submitter. Criteria: Myriad Autosomal Dominant, Autosomal Recessive and X-Linked Classification Criteria (2023). Collection method: clinical testing. Allele origin: unknown.
Comment: This variant is considered benign. This variant is a silent/synonymous amino acid change and it is not expected to impact splicing.

Ambry Genetics
Classification: Likely benign for Hereditary cancer-predisposing syndrome. Last evaluated: 2022-11-23. Review status: criteria provided, single submitter. Criteria: Ambry Variant Classification Scheme 2023. Collection method: clinical testing. Allele origin: germline.

NM_004655.4(AXIN2):c.1779C>T (p.Pro593=)

Gene: AXIN2 (axin 2; minus strand). Cytogenetic location: 17q24.1.
Variant type: single nucleotide variant.
Coding change: c.1779C>T on transcript NM_004655.4 (MANE Select); coding-DNA position 1779, C replaced by T.
Protein change: p.Pro593=; no amino-acid change (proline 593 retained).
Molecular consequence: synonymous variant. On other transcripts: intron variant (1).
Genome position (GRCh38, 1-based): chr17:65,536,997, G>A on the plus strand (C>T on the coding strand, the complement: AXIN2 is on the minus strand). VCF-style: chr17-65536997-G-A. GRCh37 (hg19) VCF-style: chr17-63533115-G-A.
Other names: c.1712+327C>T (NM_001363813.1); c.1779C>T (NM_004655.3).
Identifiers: ClinVar variation 1124873 (VCV001124873.11), dbSNP rs780074933, ClinGen allele CA8718530.